The following is an entry in ClinVar:

ClinVar aggregate classification (germline): Benign. Review status: criteria provided, multiple submitters, no conflicts (2 of 4 stars). 2 submissions from 2 submitters: Benign (2). Last evaluated 2026-02-01.

Conditions:
Diaphanospondylodysostosis. Also called: VERTEBRAL OSSIFICATION, DEFECT IN, WITH NEPHROGENIC RESTS. Identifiers: Orphanet 66637, MedGen C1842691, MONDO:0011946, OMIM 608022.

Allele frequency attached by ClinVar (database versions not stated): gnomAD 0.01271 and 0.01197; TOPMed 0.01371; 1000 Genomes Project 0.01418; gnomAD exomes 0.00346; ExAC 0.00455; ESP Exome Variant Server 0.01477; 1000 Genomes Project 30x 0.01515.
gnomAD v4.1: 3,544 of 1,610,200 alleles (0.22%); highest among the groups gnomAD compares: African/African-American, 4.2%; 63 homozygotes.

Submissions (2):

Labcorp Genetics (formerly Invitae), Labcorp
Classification: Benign. Last evaluated: 2026-02-01. Review status: criteria provided, single submitter. Criteria: Invitae Variant Classification Sherloc (09022015). Collection method: clinical testing. Allele origin: germline.

Illumina Laboratory Services, Illumina
Classification: Benign for Diaphanospondylodysostosis. Last evaluated: 2018-01-13. Review status: criteria provided, single submitter. Criteria: ICSL Variant Classification Criteria 13 December 2019. Collection method: clinical testing. Allele origin: germline.
Comment: This variant was observed in the ICSL laboratory as part of a predisposition screen in an ostensibly healthy population. It had not been previously curated by ICSL or reported in the Human Gene Mutation Database (HGMD: prior to June 1st, 2018), and was therefore a candidate for classification through an automated scoring system. Utilizing variant allele frequency, disease prevalence and penetrance estimates, and inheritance mode, an automated score was calculated to assess if this variant is too frequent to cause the disease. Based on the score and internal cut-off values, a variant classified as benign is not then subjected to further curation. The score for this variant resulted in a classification of benign for this disease.

NM_001365308.1(BMPER):c.133+9G>C

Gene: BMPER (BMP binding endothelial regulator; plus strand). Cytogenetic location: 7p14.3.
Variant type: single nucleotide variant.
Coding change: c.133+9G>C on transcript NM_001365308.1 (MANE Select); 9 bases into the intron after coding-DNA position 133, G replaced by C.
Molecular consequence: intron variant.
Genome position (GRCh38, 1-based): chr7:33,905,755, G>C. VCF-style: chr7-33905755-G-C. GRCh37 (hg19) VCF-style: chr7-33945367-G-C.
Other names: c.133+9G>C (NM_133468.5).
Identifiers: ClinVar variation 360097 (VCV000360097.13), dbSNP rs75250304, ClinGen allele CA4214899.